The following is an entry in ClinVar:

NM_001378120.1(MBD5):c.2617A>G (p.Thr873Ala)

Gene: MBD5 (methyl-CpG binding domain protein 5; plus strand). Cytogenetic location: 2q23.1.
Variant type: single nucleotide variant.
Coding change: c.2617A>G on transcript NM_001378120.1 (MANE Select); coding-DNA position 2617, A replaced by G.
Protein change: p.Thr873Ala; replaces threonine 873 with alanine.
Molecular consequence: missense variant.
Genome position (GRCh38, 1-based): chr2:148,483,208, A>G. VCF-style: chr2-148483208-A-G. GRCh37 (hg19) VCF-style: chr2-149240777-A-G.
Other names: c.2617A>G, p.Thr873Ala (NM_018328.5); short protein forms T873A.
Identifiers: ClinVar variation 3005051 (VCV003005051.3), dbSNP rs1351099066, ClinGen allele CA348722332.
Genomic context (GRCh38, chr2:148,483,208, plus strand): 5'-ACCAACCACCCTGCCATCACAAAGACAACATCTGTTCTTCAAGATGGCGTCATAGTCACC[A>G]CTGCAGCTGGAAACCCACTGCAGAGTCAGCTACCCATTGGGAGTGATTTTCCTTTTGTTG-3'
Protein context (NP_001365049.1, residues 863-883): SVLQDGVIVT[Thr873Ala]AAGNPLQSQL

ClinVar aggregate classification (germline): Uncertain significance (1 of 4 stars; one submission).

Conditions:
Intellectual developmental disorder, autosomal dominant 1. Also called: MBD5 Haploinsufficiency; Intellectual disability, autosomal dominant 1. Identifiers: Orphanet 228402, MedGen C1969562, MONDO:0007974, OMIM 156200.

Allele frequency attached by ClinVar (database versions not stated): gnomAD exomes below 0.00001.
gnomAD v4.1: 1 of 1,613,678 alleles (0.000062%); highest among the groups gnomAD compares: Admixed American, 0.0017%; no homozygotes.

Submission:

Labcorp Genetics (formerly Invitae), Labcorp
Classification: Uncertain significance for Intellectual developmental disorder, autosomal dominant 1. Last evaluated: 2024-10-16. Review status: criteria provided, single submitter. Criteria: Invitae Variant Classification Sherloc (09022015). Collection method: clinical testing. Allele origin: germline.
Comment: This sequence change replaces threonine, which is neutral and polar, with alanine, which is neutral and non-polar, at codon 873 of the MBD5 protein (p.Thr873Ala). This variant is present in population databases (no rsID available, gnomAD 0.003%). This variant has not been reported in the literature in individuals affected with MBD5-related conditions. Invitae Evidence Modeling of protein sequence and biophysical properties (such as structural, functional, and spatial information, amino acid conservation, physicochemical variation, residue mobility, and thermodynamic stability) indicates that this missense variant is not expected to disrupt MBD5 protein function with a negative predictive value of 80%. In summary, the available evidence is currently insufficient to determine the role of this variant in disease. Therefore, it has been classified as a Variant of Uncertain Significance.